The following is an entry in ClinVar:

ClinVar aggregate classification (germline): Pathogenic (1 of 4 stars; one submission).

Submission:

GeneDx
Classification: Pathogenic. Last evaluated: 2018-05-31. Review status: criteria provided, single submitter. Criteria: GeneDx Variant Classification (06012015). Collection method: clinical testing. Allele origin: germline. Affected: yes.
Comment: The c.1681_1682delTT variant in the CYLD gene has been reported previously in a family with cylindromatosis (Bignell et al., 2000). The c.1681_1682delTT variant causes a frameshift starting with codon Leucine 561, changes this amino acid to a Serine residue, and creates a premature Stop codon at position 8 of the new reading frame, denoted p.Leu561SerfsX8. This variant is predicted to cause loss of normal protein function either through protein truncation or nonsense-mediated mRNA decay. The c.1681_1682delTT variant is not observed in large population cohorts (Lek et al., 2016). We interpret c.1681_1682delTT as a pathogenic variant.

NM_001378743.1(CYLD):c.1681_1682del (p.Leu561fs)

Gene: CYLD (CYLD lysine 63 deubiquitinase; plus strand). Cytogenetic location: 16q12.1.
Variant type: Deletion.
Coding change: c.1681_1682del on transcript NM_001378743.1 (MANE Select); coding-DNA positions 1681 to 1682, 2 bases deleted (TT; older notation c.1681_1682delTT).
Protein change: p.Leu561fs; shifts the reading frame from leucine 561.
Molecular consequence: frameshift variant.
Genome position (GRCh38, 1-based): chr16:50,781,408-50,781,409, TT deleted; deleting any 2 consecutive bases within chr16:50,781,407-50,781,409 gives the same sequence; the c. name uses the placement nearest the transcript's 3' end. VCF-style (leftmost placement, unchanged base first): chr16-50781406-CTT-C. GRCh37 (hg19) VCF-style: chr16-50815317-CTT-C.
Other names: c.1681_1682delTT (NM_015247.2); c.1672_1673del, p.Leu558fs (NM_001042355.2, NM_001042412.3, NM_001378744.1 and 6 more transcripts); c.1642_1643del, p.Leu548fs (NM_001378751.1, NM_001378752.1, NM_001378753.1); c.1006_1007del, p.Leu336fs (NM_001378754.1, NM_001378755.1); c.1681_1682del, p.Leu561fs (NM_015247.3); short protein forms L558fs, L561fs, L336fs, L548fs.
Identifiers: ClinVar variation 817054 (VCV000817054.1), dbSNP rs1597055529, ClinGen allele CA645575655.
Genomic context (GRCh38, chr16:50,781,406, plus strand): 5'-GGCCTGACTCTAGGTTTGCATCATTGCAGCCGGTTTCCAATCAGATTGAGCGCTGTAACT[CTT>C]TAGGTATTTGGATGCTTTTTGTTTACTTAACAACCTGGAATGACTCTAATTCTAATCTCA-3'